The following is an entry in ClinVar:

ClinVar aggregate classification (germline): Uncertain significance (1 of 4 stars; one submission).

Conditions:
Brugada syndrome 8 (BRGDA8). Identifiers: Orphanet 130, MedGen C2751083, MONDO:0013148, OMIM 613123.

Submission:

Labcorp Genetics (formerly Invitae), Labcorp
Classification: Uncertain significance for Brugada syndrome 8. Last evaluated: 2023-11-24. Review status: criteria provided, single submitter. Criteria: Invitae Variant Classification Sherloc (09022015). Collection method: clinical testing. Allele origin: germline.
Comment: This sequence change replaces lysine, which is basic and polar, with arginine, which is basic and polar, at codon 716 of the HCN4 protein (p.Lys716Arg). This variant is not present in population databases (gnomAD no frequency). This variant has not been reported in the literature in individuals affected with HCN4-related conditions. Advanced modeling of protein sequence and biophysical properties (such as structural, functional, and spatial information, amino acid conservation, physicochemical variation, residue mobility, and thermodynamic stability) performed at Invitae indicates that this missense variant is not expected to disrupt HCN4 protein function with a negative predictive value of 80%. Algorithms developed to predict the effect of sequence changes on RNA splicing suggest that this variant may create or strengthen a splice site. In summary, the available evidence is currently insufficient to determine the role of this variant in disease. Therefore, it has been classified as a Variant of Uncertain Significance.

NM_005477.3(HCN4):c.2147A>G (p.Lys716Arg)

Gene: HCN4 (hyperpolarization activated cyclic nucleotide gated potassium channel 4; minus strand). Cytogenetic location: 15q24.1.
Variant type: single nucleotide variant.
Coding change: c.2147A>G on transcript NM_005477.3 (MANE Select); coding-DNA position 2147, A replaced by G.
Protein change: p.Lys716Arg; replaces lysine 716 with arginine.
Molecular consequence: missense variant.
Genome position (GRCh38, 1-based): chr15:73,323,946, T>C on the plus strand (A>G on the coding strand, the complement: HCN4 is on the minus strand). VCF-style: chr15-73323946-T-C. GRCh37 (hg19) VCF-style: chr15-73616287-T-C.
Other names: short protein forms K716R.
Identifiers: ClinVar variation 2865534 (VCV002865534.3), dbSNP rs2549069302, ClinGen allele CA393089669.